The following is an entry in ClinVar:

ClinVar aggregate classification (germline): Uncertain significance (1 of 4 stars; one submission).

Submission:

Women's Health and Genetics/Laboratory Corporation of America, LabCorp
Classification: Uncertain significance. Last evaluated: 2025-07-18. Review status: criteria provided, single submitter. Criteria: LabCorp Variant Classification Summary - May 2015. Collection method: clinical testing. Allele origin: germline.
Comment: Variant summary: The variant involves the duplication of exons 2-10 in the GLDN gene. A presumed nomenclature of c.(363+1_364-1)_(*3247_?)dup has been designated for the purposes of this classification. A structural variant (size: ~166 kbp) involving the duplication of exons 2-10 together with a large DNA segment extending downstream of the gene was found at a frequency of 8e-06 in 125182 control chromosomes in the gnomAD database (Structural Variants v4.1 dataset). The available data on variant occurrences in the general population are insufficient to allow any conclusion about variant significance. To our knowledge, no occurrence of c.(363+1_364-1)_(*3247_?)dup in individuals affected with Lethal Congenital Contracture Syndrome 11 and no experimental evidence demonstrating its impact on protein function have been reported. No submitters have cited clinical-significance assessments for this variant to ClinVar. Based on the evidence outlined above, the variant was classified as uncertain significance.

NC_000015.9:g.(51634245_51669645)_(51700198_?)dup

Gene: GLDN (gliomedin; plus strand). Cytogenetic location: 15q21.2.
Variant type: Duplication.
Identifiers: ClinVar variation 4525788 (VCV004525788.1).